The following is an entry in ClinVar:

NM_015178.3(RHOBTB2):c.713C>T (p.Pro238Leu)

Gene: RHOBTB2 (Rho related BTB domain containing 2; plus strand). Cytogenetic location: 8p21.3.
Variant type: single nucleotide variant.
Coding change: c.713C>T on transcript NM_015178.3 (MANE Select); coding-DNA position 713, C replaced by T.
Protein change: p.Pro238Leu; replaces proline 238 with leucine.
Molecular consequence: missense variant.
Genome position (GRCh38, 1-based): chr8:23,006,958, C>T. VCF-style: chr8-23006958-C-T. GRCh37 (hg19) VCF-style: chr8-22864471-C-T.
Other names: c.779C>T, p.Pro260Leu (NM_001160036.2); c.734C>T, p.Pro245Leu (NM_001160037.2); c.713C>T, p.Pro238Leu (NM_001374791.1); short protein forms P238L, P245L, P260L.
Identifiers: ClinVar variation 2121105 (VCV002121105.5), dbSNP rs1810973688, ClinGen allele CA370565140.

ClinVar aggregate classification (germline): Conflicting classifications of pathogenicity. Review status: criteria provided, conflicting classifications (1 of 4 stars). 2 submissions from 2 submitters: Uncertain significance (1); Likely benign (1). Last evaluated 2024-09-20.

Conditions:
Developmental and epileptic encephalopathy, 64. Also called: EPILEPTIC ENCEPHALOPATHY, EARLY INFANTILE, 64. Identifiers: MedGen C4693899, MONDO:0033373, OMIM 618004.

Allele frequency attached by ClinVar (database versions not stated): TOPMed below 0.00001.

Submissions (2):

3billion
Classification: Likely benign for Developmental and epileptic encephalopathy, 64. Last evaluated: 2024-09-20. Review status: criteria provided, single submitter. Criteria: ACMG Guidelines, 2015. Collection method: clinical testing. Allele origin: germline. Affected: no.
Comment: The variant was identified in at least one patient who was diagnosed with a different variant in another gene and showed no symptoms related to the gene containing the variant in question.

Labcorp Genetics (formerly Invitae), Labcorp
Classification: Uncertain significance. Last evaluated: 2022-04-03. Review status: criteria provided, single submitter. Criteria: Invitae Variant Classification Sherloc (09022015). Collection method: clinical testing. Allele origin: germline.
Comment: This sequence change replaces proline, which is neutral and non-polar, with leucine, which is neutral and non-polar, at codon 260 of the RHOBTB2 protein (p.Pro260Leu). This variant is not present in population databases (gnomAD no frequency). This variant has not been reported in the literature in individuals affected with RHOBTB2-related conditions. Algorithms developed to predict the effect of missense changes on protein structure and function (SIFT, PolyPhen-2, Align-GVGD) all suggest that this variant is likely to be disruptive. In summary, the available evidence is currently insufficient to determine the role of this variant in disease. Therefore, it has been classified as a Variant of Uncertain Significance.